The following is an entry in ClinVar:

NM_198859.4(PRICKLE2):c.1706G>A (p.Arg569Gln)

Genes: PRICKLE2 (prickle planar cell polarity protein 2; minus strand), PRICKLE2-AS1 (PRICKLE2 antisense RNA 1; plus strand). Cytogenetic location: 3p14.1.
Variant type: single nucleotide variant.
Coding change: c.1706G>A on transcript NM_198859.4 (MANE Select); coding-DNA position 1706, G replaced by A.
Protein change: p.Arg569Gln; replaces arginine 569 with glutamine.
Molecular consequence: missense variant. On other transcripts: non-coding transcript variant (1).
Genome position (GRCh38, 1-based): chr3:64,099,880, C>T on the plus strand (G>A on the coding strand, the complement: PRICKLE2 is on the minus strand). VCF-style: chr3-64099880-C-T. GRCh37 (hg19) VCF-style: chr3-64085556-C-T.
Other names: c.1706G>A, p.Arg569Gln (NM_001370528.1); short protein forms R569Q.
Identifiers: ClinVar variation 1325551 (VCV001325551.1), dbSNP rs2076627525, ClinGen allele CA353428294.

ClinVar aggregate classification (germline): Uncertain significance (1 of 4 stars; one submission).

Conditions:
Myoclonic epilepsy. Identifiers: MedGen C0014550, MONDO:0100577.

Allele frequency attached by ClinVar (database versions not stated): gnomAD exomes below 0.00001; TOPMed below 0.00001; gnomAD 0.00001.
gnomAD v4.1: 2 of 1,614,032 alleles (0.00012%); highest among the groups gnomAD compares: African/African-American, 0.0013%; no homozygotes.

Submission:

New York Genome Center
Classification: Uncertain significance for Myoclonic epilepsy. Last evaluated: 2020-04-14. Review status: criteria provided, single submitter. Criteria: NYGC Assertion Criteria 2020. Collection method: clinical testing. Allele origin: germline. Observed: 1 heterozygote. Study: CSER-NYCKidSeq.
Comment: The heterozygous p.Arg569Gln missense variant identified in PRICKLE2 has not been reported in affected individuals in the literature. The variant is absent from gnomAD database indicating that it is an extremely rare allele in the general population. The variant affects an evolutionary conserved residue and In Silico prediction tools show conflicting predictions about its pathogenicity. Based on the current evidence, the p.Arg569Gln variant in the PRICKLE2 gene is assessed as a variant of uncertain significance.